The following is an entry in ClinVar:

NC_000017.11:g.80184231AGG[4]

Gene: CARD14 (caspase recruitment domain family member 14; plus strand). Cytogenetic location: 17q25.3.
Variant type: Microsatellite.
Genome position: GRCh38 VCF-style: chr17-80184230-C-CAGG. GRCh37 (hg19) VCF-style: chr17-78158029-C-CAGG.
Identifiers: ClinVar variation 2044564 (VCV002044564.5), dbSNP rs2510590471, ClinGen allele CA2580613256.
Genomic context (GRCh38, chr17:80,184,230, plus strand): 5'-CTGCACTATAGCAATGCGCTGCAGGAGAAGGAGCTGGCCGCCTCACGCTGCCGCAGCCTG[C>CAGG]AGGAGGAGGTAGGGGGACACCCTGCACCCCGGCGCGACCCTGCTGTCGTCTGCCCCCAGG-3'

ClinVar aggregate classification (germline): Uncertain significance (1 of 4 stars; one submission).

Conditions:
Pityriasis rubra pilaris (PRP). Also called: Pityriasis rubra pilaris--familial type. Identifiers: Orphanet 2897, MedGen C0032027, MONDO:0100017, OMIM 173200, MONDO:0008251.
Psoriasis 2. Identifiers: MedGen C1864497, MONDO:0011269, OMIM 602723.

Submission:

Labcorp Genetics (formerly Invitae), Labcorp
Classification: Uncertain significance for Pityriasis rubra pilaris; Psoriasis 2. Last evaluated: 2022-12-12. Review status: criteria provided, single submitter. Criteria: Invitae Variant Classification Sherloc (09022015). Collection method: clinical testing. Allele origin: germline.
Comment: This variant has not been reported in the literature in individuals affected with CARD14-related conditions. In summary, the available evidence is currently insufficient to determine the role of this variant in disease. Therefore, it has been classified as a Variant of Uncertain Significance. This variant is not present in population databases (gnomAD no frequency). This sequence change affects a splice site in intron 4 of the CARD14 gene. It is expected to disrupt RNA splicing. Variants that disrupt the donor or acceptor splice site typically lead to a loss of protein function (PMID: 16199547), however the current clinical and genetic evidence is not sufficient to establish whether loss-of-function variants in CARD14 cause disease.

Literature cited by the submitters: PubMed 16199547.